The following is an entry in ClinVar:

ClinVar aggregate classification (germline): Pathogenic. Review status: criteria provided, multiple submitters, no conflicts (2 of 4 stars). 10 submissions from 10 submitters: Pathogenic (8). 2 of the submissions do not count toward it. Last evaluated 2026-08-26.

Conditions:
Carnitine deficiency. Identifiers: MedGen C1142132.
Renal carnitine transport defect (CDSP). Also called: Primary carnitine deficiency; Carnitine Deficiency, Systemic; CARNITINE DEFICIENCY, SYSTEMIC, DUE TO DEFECT IN RENAL REABSORPTION OF CARNITINE; CARNITINE TRANSPORTER, PLASMA-MEMBRANE, DEFICIENCY OF; CARNITINE UPTAKE DEFECT; Carnitine transporter deficiency. Identifiers: Orphanet 158, MedGen C0342788, MONDO:0008919, OMIM 212140.

Allele frequency attached by ClinVar (database versions not stated): ExAC 0.00001; gnomAD exomes 0.00001.

Submissions (10):

GeneDx
Classification: Pathogenic. Last evaluated: 2026-08-26. Review status: criteria provided, single submitter. Criteria: GeneDx Variant Classification Process June 2021. Collection method: clinical testing. Allele origin: germline.
Comment: Published functional studies demonstrate a damaging effect (significantly reduced carnitine uptake activity compared to wild-type) (PMID: 10072434); Nonsense variant predicted to result in protein truncation or nonsense mediated decay in a gene for which loss of function is a known mechanism of disease; Not observed at significant frequency in large population cohorts (gnomAD); This variant is associated with the following publications: (PMID: 25525159, 25846890, 19208393, 9916797, 34394177, 26828774, 34997761, 33560599, 29869463, 36568374, 29111448, 29519241, 31364285, 20574985, 10545605, 28841266, 28164076, 32371215, 10072434)

Natera, Inc.
Classification: Pathogenic for Carnitine deficiency. Last evaluated: 2025-09-09. Review status: criteria provided, single submitter. Criteria: Natera Variant Classification Schema (03/2026). Collection method: clinical testing. Allele origin: germline.
Comment: The c.396G>A variant in SLC22A5 is a nonsense variant predicted to introduce a stop codon at amino acid 132. This variant is expected to result in nonsense mediated decay, truncation, or a dysfunctional protein product. This variant is rare in the general population with a frequency below the threshold expected for the associated phenotype(s). This variant has been observed in one or more individuals affected with the associated recessive disease, as either homozygous or compound heterozygous with a second variant (PMID: 19208393). Given the available evidence, this variant is classified as Pathogenic.

Fulgent Genetics
Classification: Pathogenic for Renal carnitine transport defect. Last evaluated: 2024-06-08. Review status: criteria provided, single submitter. Criteria: ACMG Guidelines, 2015. Collection method: clinical testing. Allele origin: germline.

3billion
Classification: Pathogenic for Renal carnitine transport defect. Last evaluated: 2024-02-05. Review status: criteria provided, single submitter. Criteria: ACMG Guidelines, 2015. Collection method: clinical testing. Allele origin: germline. Affected: yes.
Comment: The variant is observed at an extremely low frequency in the gnomAD v2.1.1 dataset (total allele frequency: <0.001%). Predicted Consequence/Location: Stop-gained (nonsense): predicted to result in a loss or disruption of normal protein function through nonsense-mediated decay (NMD) or protein truncation. Multiple pathogenic variants are reported downstream of the variant. The variant has been reported at least twice as pathogenic with clinical assertions and evidence for the classification (ClinVar ID: VCV000006411 /PMID: 9916797). Therefore, this variant is classified as Pathogenic according to the recommendation of ACMG/AMP guideline.

Labcorp Genetics (formerly Invitae), Labcorp
Classification: Pathogenic for Renal carnitine transport defect. Last evaluated: 2024-01-07. Review status: criteria provided, single submitter. Criteria: Invitae Variant Classification Sherloc (09022015). Collection method: clinical testing. Allele origin: germline.
Comment: This sequence change creates a premature translational stop signal (p.Trp132*) in the SLC22A5 gene. It is expected to result in an absent or disrupted protein product. Loss-of-function variants in SLC22A5 are known to be pathogenic (PMID: 9916797). This variant is present in population databases (rs72552727, gnomAD 0.01%). This premature translational stop signal has been observed in individuals with primary carnitine deficiency (PMID: 9916797, 19208393). ClinVar contains an entry for this variant (Variation ID: 6411). For these reasons, this variant has been classified as Pathogenic.

Baylor Genetics
Classification: Pathogenic for Renal carnitine transport defect. Last evaluated: 2023-12-26. Review status: criteria provided, single submitter. Criteria: ACMG Guidelines, 2015. Collection method: clinical testing. Allele origin: unknown.

Women's Health and Genetics/Laboratory Corporation of America, LabCorp
Classification: Pathogenic for Renal carnitine transport defect. Last evaluated: 2022-09-14. Review status: criteria provided, single submitter. Criteria: LabCorp Variant Classification Summary - May 2015. Collection method: clinical testing. Allele origin: germline.
Comment: Variant summary: SLC22A5 c.396G>A (p.Trp132X) results in a premature termination codon, predicted to cause a truncation of the encoded protein or absence of the protein due to nonsense mediated decay, which are commonly known mechanisms for disease. Truncations downstream of this position have been classified as pathogenic by our laboratory and associated with phenotype in HGMD. The variant allele was found at a frequency of 8e-06 in 251496 control chromosomes. c.396G>A has been reported in the literature in multiple individuals with clinically diagnosed Systemic Primary Carnitine Deficiency (example, Koizumi_1999, Nezu_1999 and Ohkuma 2009 etc.). These data indicate that the variant is very likely to be associated with disease. Three clinical diagnostic laboratories have submitted clinical-significance assessments for this variant to ClinVar after 2014 and classified the variant as pathogenic. Based on the evidence outlined above, the variant was classified as pathogenic.

Genome-Nilou Lab
Classification: Pathogenic for Renal carnitine transport defect. Last evaluated: 2021-07-15. Review status: criteria provided, single submitter. Criteria: ACMG Guidelines, 2015. Collection method: clinical testing. Allele origin: germline. Affected: no.

Counsyl
Classification: Likely pathogenic for Renal carnitine transport defect. Last evaluated: 2014-06-22. Review status: no assertion criteria provided. Collection method: literature only. Allele origin: unknown. Inheritance: Autosomal recessive inheritance. Not counted in ClinVar's aggregate classification.

OMIM
Classification: Pathogenic for CARNITINE DEFICIENCY, SYSTEMIC PRIMARY. Last evaluated: 1999-04-01. Review status: no assertion criteria provided. Collection method: literature only. Allele origin: germline. Not counted in ClinVar's aggregate classification.

Literature cited by the submitters: PubMed 19208393 (cited by 4 submitters); PubMed 9916797 (cited by 5 submitters); PubMed 10545605 (cited by Women's Health and Genetics/Laboratory Corporation of America, LabCorp and Counsyl); PubMed 20574985 (cited by Counsyl); PubMed 10072434 (cited by Counsyl and OMIM); PubMed 9700600 (cited by Counsyl and OMIM).

NM_003060.4(SLC22A5):c.396G>A (p.Trp132Ter)

Gene: SLC22A5 (solute carrier family 22 member 5; plus strand). Cytogenetic location: 5q31.1.
Variant type: single nucleotide variant.
Coding change: c.396G>A on transcript NM_003060.4 (MANE Select); coding-DNA position 396, G replaced by A.
Protein change: p.Trp132Ter; replaces tryptophan 132 with a stop codon.
Molecular consequence: nonsense.
Genome position (GRCh38, 1-based): chr5:132,378,380, G>A. VCF-style: chr5-132378380-G-A. GRCh37 (hg19) VCF-style: chr5-131714072-G-A.
Other names: c.468G>A, p.Trp156Ter (NM_001308122.2); short protein forms W132*, W156*.
Identifiers: ClinVar variation 6411 (VCV000006411.24), dbSNP rs72552727, ClinGen allele CA340577.